The following is an entry in ClinVar:

NM_001365999.1(SZT2):c.3368G>A (p.Arg1123His)

Gene: SZT2 (SZT2 subunit of KICSTOR complex; plus strand). Cytogenetic location: 1p34.2.
Variant type: single nucleotide variant.
Coding change: c.3368G>A on transcript NM_001365999.1 (MANE Select); coding-DNA position 3368, G replaced by A.
Protein change: p.Arg1123His; replaces arginine 1123 with histidine.
Molecular consequence: missense variant.
Genome position (GRCh38, 1-based): chr1:43,427,114, G>A. VCF-style: chr1-43427114-G-A. GRCh37 (hg19) VCF-style: chr1-43892785-G-A.
Other names: c.3197G>A, p.Arg1066His (NM_015284.4); short protein forms R1066H, R1123H.
Identifiers: ClinVar variation 648040 (VCV000648040.15), dbSNP rs138477355, ClinGen allele CA808967.

ClinVar aggregate classification (germline): Uncertain significance. Review status: criteria provided, multiple submitters, no conflicts (2 of 4 stars). 5 submissions from 5 submitters: Uncertain significance (5). Last evaluated 2025-11-10.

Conditions:
Inborn genetic diseases. Identifiers: MedGen C0950123, MeSH D030342.
Developmental and epileptic encephalopathy, 18 (DEE18). Also called: Early infantile epileptic encephalopathy 18. Identifiers: Orphanet 369894, MedGen C3809624, MONDO:0014201, OMIM 615476.

Allele frequency attached by ClinVar (database versions not stated): gnomAD exomes 0.00006 and 0.00012; ExAC 0.00013; ESP Exome Variant Server 0.00015; gnomAD 0.00017 and 0.00019; TOPMed 0.00026.
gnomAD v4.1: 117 of 1,613,842 alleles (0.0072%); highest among the groups gnomAD compares: African/African-American, 0.077%; 1 homozygote.

Submissions (5):

Labcorp Genetics (formerly Invitae), Labcorp
Classification: Uncertain significance. Last evaluated: 2025-11-10. Review status: criteria provided, single submitter. Criteria: Invitae Variant Classification Sherloc (09022015). Collection method: clinical testing. Allele origin: germline.
Comment: This sequence change replaces arginine, which is basic and polar, with histidine, which is basic and polar, at codon 1066 of the SZT2 protein (p.Arg1066His). This variant is present in population databases (rs138477355, gnomAD 0.09%). This variant has not been reported in the literature in individuals affected with SZT2-related conditions. ClinVar contains an entry for this variant (Variation ID: 648040). Invitae Evidence Modeling of protein sequence and biophysical properties (such as structural, functional, and spatial information, amino acid conservation, physicochemical variation, residue mobility, and thermodynamic stability) indicates that this missense variant is not expected to disrupt SZT2 protein function with a negative predictive value of 80%. In summary, the available evidence is currently insufficient to determine the role of this variant in disease. Therefore, it has been classified as a Variant of Uncertain Significance.

GeneDx
Classification: Uncertain significance. Last evaluated: 2025-09-16. Review status: criteria provided, single submitter. Criteria: GeneDx Variant Classification Process June 2021. Collection method: clinical testing. Allele origin: germline. Affected: yes.
Comment: In silico analysis supports that this missense variant has a deleterious effect on protein structure/function; Has not been previously published as pathogenic or benign to our knowledge; This variant is associated with the following publications: (PMID: 32579932)

Ambry Genetics
Classification: Uncertain significance for Inborn genetic diseases. Last evaluated: 2025-04-12. Review status: criteria provided, single submitter. Criteria: Ambry Variant Classification Scheme 2023. Collection method: clinical testing. Allele origin: germline.

Blueprint Genetics
Classification: Uncertain significance. Last evaluated: 2024-09-27. Review status: criteria provided, single submitter. Criteria: ACMG Guidelines, 2015. Collection method: clinical testing. Allele origin: germline.

Genome-Nilou Lab
Classification: Uncertain significance for Developmental and epileptic encephalopathy, 18. Last evaluated: 2023-04-11. Review status: criteria provided, single submitter. Criteria: ACMG Guidelines, 2015. Collection method: clinical testing. Allele origin: germline. Affected: no.